The following is an entry in ClinVar:

ClinVar aggregate classification (germline): Uncertain significance (1 of 4 stars; one submission).

Conditions:
Autosomal recessive early-onset Parkinson disease 6 (PARK6). Also called: PINK1 Type of Young-Onset Parkinson Disease; PARKINSON DISEASE 6, MODIFIER OF; PINK1-Related Parkinson Disease; PARKINSON DISEASE 6, EARLY-ONSET. Identifiers: Orphanet 2828, MedGen C1853833, MONDO:0011613, OMIM 605909.

Allele frequency attached by ClinVar (database versions not stated): gnomAD exomes 0.00002 and 0.00005; ExAC 0.00004; ESP Exome Variant Server 0.00008; gnomAD 0.00015 and 0.00016; TOPMed 0.00018.

Submission:

Labcorp Genetics (formerly Invitae), Labcorp
Classification: Uncertain significance for Autosomal recessive early-onset Parkinson disease 6. Last evaluated: 2021-10-08. Review status: criteria provided, single submitter. Criteria: Invitae Variant Classification Sherloc (09022015). Collection method: clinical testing. Allele origin: germline.
Comment: This variant is present in population databases (rs145876364, ExAC 0.03%). This sequence change replaces arginine with tryptophan at codon 407 of the PINK1 protein (p.Arg407Trp). The arginine residue is moderately conserved and there is a moderate physicochemical difference between arginine and tryptophan. This variant has not been reported in the literature in individuals affected with PINK1-related conditions. Algorithms developed to predict the effect of missense changes on protein structure and function are either unavailable or do not agree on the potential impact of this missense change (SIFT: "Deleterious"; PolyPhen-2: "Benign"; Align-GVGD: "Class C0"). In summary, the available evidence is currently insufficient to determine the role of this variant in disease. Therefore, it has been classified as a Variant of Uncertain Significance.

NM_032409.3(PINK1):c.1219C>T (p.Arg407Trp)

Genes: PINK1 (PTEN induced kinase 1; plus strand), PINK1-AS (PINK1 antisense RNA; minus strand). Cytogenetic location: 1p36.12.
Variant type: single nucleotide variant.
Coding change: c.1219C>T on transcript NM_032409.3 (MANE Select); coding-DNA position 1219, C replaced by T.
Protein change: p.Arg407Trp; replaces arginine 407 with tryptophan.
Molecular consequence: missense variant. On other transcripts: non-coding transcript variant (1).
Genome position (GRCh38, 1-based): chr1:20,648,600, C>T. VCF-style: chr1-20648600-C-T. GRCh37 (hg19) VCF-style: chr1-20975093-C-T.
Other names: short protein forms R407W.
Identifiers: ClinVar variation 1436397 (VCV001436397.6), dbSNP rs145876364, ClinGen allele CA660737.